The following is an entry in ClinVar:

NM_001321075.3(DLG4):c.749_752del (p.Ala249_Tyr250insTer)

Gene: DLG4 (discs large MAGUK scaffold protein 4; minus strand). Cytogenetic location: 17p13.1.
Variant type: Deletion.
Coding change: c.749_752del on transcript NM_001321075.3 (MANE Select); coding-DNA positions 749 to 752, 4 bases deleted (ACCT; older notation c.749_752delACCT).
Protein change: p.Ala249_Tyr250insTer.
Molecular consequence: nonsense. On other transcripts: non-coding transcript variant (1).
Genome position (GRCh38, 1-based): chr17:7,202,938-7,202,941, AGGT deleted on the plus strand (ACCT on the coding strand, the reverse complement: DLG4 is on the minus strand); deleting any 4 consecutive bases within chr17:7,202,938-7,202,944 gives the same sequence; the c. name uses the placement nearest the transcript's 3' end. VCF-style (leftmost placement, unchanged base first): chr17-7202937-CAGGT-C. GRCh37 (hg19) VCF-style: chr17-7106256-CAGGT-C.
Other names: c.740_743del, p.Ala246_Tyr247insTer (NM_001128827.4); c.869_872del, p.Ala289_Tyr290insTer (NM_001321074.1); c.569_572del, p.Ala189_Tyr190insTer (NM_001321076.3, NM_001321077.3); c.878_881del, p.Ala292_Tyr293insTer (NM_001365.5); c.668_671del, p.Ala222_Tyr223insTer (NM_001369566.3).
Identifiers: ClinVar variation 4282450 (VCV004282450.1).

ClinVar aggregate classification (germline): Pathogenic (1 of 4 stars; one submission).

Submission:

GeneDx
Classification: Pathogenic. Last evaluated: 2025-04-10. Review status: criteria provided, single submitter. Criteria: GeneDx Variant Classification Process June 2021. Collection method: clinical testing. Allele origin: germline. Affected: yes.
Comment: Nonsense variant predicted to result in protein truncation or nonsense mediated decay in a gene for which loss of function is a known mechanism of disease; Not observed at significant frequency in large population cohorts (gnomAD); Has not been previously published as pathogenic or benign to our knowledge